The following is an entry in ClinVar:

NM_133433.4(NIPBL):c.6624C>T (p.Phe2208=)

Gene: NIPBL (NIPBL cohesin loading factor; plus strand). Cytogenetic location: 5p13.2.
Variant type: single nucleotide variant.
Coding change: c.6624C>T on transcript NM_133433.4 (MANE Select); coding-DNA position 6624, C replaced by T.
Protein change: p.Phe2208=; no amino-acid change (phenylalanine 2208 retained).
Molecular consequence: synonymous variant.
Genome position (GRCh38, 1-based): chr5:37,048,536, C>T. VCF-style: chr5-37048536-C-T. GRCh37 (hg19) VCF-style: chr5-37048638-C-T.
Other names: c.6624C>T, p.Phe2208= (NM_015384.5).
Identifiers: ClinVar variation 588459 (VCV000588459.57), dbSNP rs371380435, ClinGen allele CA3237038.
Genomic context (GRCh38, chr5:37,048,536, plus strand): 5'-GATGAGATTTTTCCCCTCTCCCATAGGATTTGCCTTTATTCAGCATCCAAGTCTAATGTT[C>T]GAGCAAGAAGTGAAGAATCTATATAATAATATTTTATCTGATAAGAACTCCTCAGTCAAT-3'
Protein context (NP_597677.2, residues 2198-2218): FAFIQHPSLM[Phe2208=]EQEVKNLYNN

ClinVar aggregate classification (germline): Benign/Likely benign. Review status: criteria provided, multiple submitters, no conflicts (2 of 4 stars). 4 submissions from 4 submitters: Benign (1); Likely benign (3). Last evaluated 2025-07-01.

Conditions:
Inborn genetic diseases. Identifiers: MedGen C0950123, MeSH D030342.
Cornelia de Lange syndrome 1 (CDLS1). Also called: NIPBL-Related Cornelia de Lange Syndrome; TYPUS DEGENERATIVUS AMSTELODAMENSIS; Brachmann de Lange syndrome. Identifiers: Orphanet 199, MedGen C4551851, MONDO:0007387, OMIM 122470.

Allele frequency attached by ClinVar (database versions not stated): gnomAD 0.00014 and 0.00016; TOPMed 0.00016; 1000 Genomes Project 0.00020; ESP Exome Variant Server 0.00023; gnomAD exomes 0.00023; ExAC 0.00027; 1000 Genomes Project 30x 0.00031.
gnomAD v4.1: 315 of 1,584,056 alleles (0.02%); highest among the groups gnomAD compares: Non-Finnish European, 0.023%; 1 homozygote.

Submissions (4):

CeGaT Center for Human Genetics Tuebingen
Classification: Likely benign. Last evaluated: 2025-07-01. Review status: criteria provided, single submitter. Criteria: CeGaT Center For Human Genetics Tuebingen Variant Classification Criteria Version 2. Collection method: clinical testing. Allele origin: germline. Affected: yes. Observed: 1 variant allele.
Comment: NIPBL: BP4, BP7

Labcorp Genetics (formerly Invitae), Labcorp
Classification: Benign for Cornelia de Lange syndrome 1. Last evaluated: 2025-05-13. Review status: criteria provided, single submitter. Criteria: Invitae Variant Classification Sherloc (09022015). Collection method: clinical testing. Allele origin: germline.

Blueprint Genetics
Classification: Likely benign. Last evaluated: 2023-10-31. Review status: criteria provided, single submitter. Criteria: ACMG Guidelines, 2015. Collection method: clinical testing. Allele origin: germline.

Ambry Genetics
Classification: Likely benign for Inborn genetic diseases. Last evaluated: 2016-11-14. Review status: criteria provided, single submitter. Criteria: Ambry Variant Classification Scheme 2023. Collection method: clinical testing. Allele origin: germline.